The following is an entry in ClinVar:

NM_144997.7(FLCN):c.189del (p.Ala64fs)

Gene: FLCN (folliculin; minus strand). Cytogenetic location: 17p11.2.
Variant type: Deletion.
Coding change: c.189del on transcript NM_144997.7 (MANE Select); coding-DNA position 189, one base deleted (C; older notation c.189delC).
Protein change: p.Ala64fs; shifts the reading frame from alanine 64.
Molecular consequence: frameshift variant.
Genome position (GRCh38, 1-based): chr17:17,227,949, G deleted on the plus strand (C on the coding strand, the reverse complement: FLCN is on the minus strand); the first of 4 consecutive G bases (chr17:17,227,949-17,227,952); deleting any one gives the same sequence. VCF-style (leftmost placement, unchanged base first): chr17-17227948-CG-C. GRCh37 (hg19) VCF-style: chr17-17131262-CG-C.
Other names: p.Ala64Glnfs*66; c.189del (LRG_325t1, NM_144997.5, NM_144997.6); c.189del, p.Ala64fs (NM_001353229.2, NM_001353230.2, NM_001353231.2 and 1 more transcripts); short protein forms A64fs.
Identifiers: ClinVar variation 233744 (VCV000233744.21), dbSNP rs876660611, ClinGen allele CA10580174.

ClinVar aggregate classification (germline): Pathogenic/Likely pathogenic. Review status: criteria provided, multiple submitters, no conflicts (2 of 4 stars). 8 submissions from 8 submitters: Pathogenic (6); Likely pathogenic (2). Last evaluated 2025-12-10.

Conditions:
Familial spontaneous pneumothorax (PSP). Identifiers: Orphanet 2903, MedGen C1868193, MONDO:0008259, OMIM 173600.
Colorectal cancer. Also called: Malignant Colorectal Neoplasm; Colorectal cancer, somatic. Identifiers: MedGen C0346629, MONDO:0005575, OMIM 114500.
Nonpapillary renal cell carcinoma. Identifiers: Orphanet 422526, MedGen CN074294, MONDO:0007763, OMIM 144700.
Birt-Hogg-Dube syndrome 1 (BHD1). Also called: FIBROFOLLICULOMAS WITH TRICHODISCOMAS AND ACROCHORDONS. Identifiers: Orphanet 122, MedGen CN375946, MONDO:0800445, OMIM 135150.
Hereditary cancer-predisposing syndrome. Also called: Tumor predisposition; Hereditary Cancer Syndrome; Hereditary neoplastic syndrome; Neoplastic Syndromes, Hereditary. Identifiers: Orphanet 140162, MedGen C0027672, MeSH D009386, MONDO:0015356.
Birt-Hogg-Dube syndrome. Also called: Birt Hogg Dubé syndrome. Identifiers: Orphanet 122, MedGen C0346010, MONDO:0800444.

Submissions (8):

Labcorp Genetics (formerly Invitae), Labcorp
Classification: Pathogenic for Birt-Hogg-Dube syndrome. Last evaluated: 2025-12-10. Review status: criteria provided, single submitter. Criteria: Invitae Variant Classification Sherloc (09022015). Collection method: clinical testing. Allele origin: germline.
Comment: This sequence change creates a premature translational stop signal (p.Ala64Glnfs*66) in the FLCN gene. It is expected to result in an absent or disrupted protein product. Loss-of-function variants in FLCN are known to be pathogenic (PMID: 15852235). This variant is not present in population databases (gnomAD no frequency). This variant has not been reported in the literature in individuals affected with FLCN-related conditions. ClinVar contains an entry for this variant (Variation ID: 233744). For these reasons, this variant has been classified as Pathogenic.

Quest Diagnostics Nichols Institute San Juan Capistrano
Classification: Pathogenic. Last evaluated: 2025-08-13. Review status: criteria provided, single submitter. Criteria: Quest Diagnostics criteria. Collection method: clinical testing. Allele origin: unknown.
Comment: The FLCN c.189del (p.Ala64Glnfs*66) variant alters the translational reading frame of the FLCN mRNA and causes the premature termination of FLCN protein synthesis. This variant has been reported in the published literature in an individual with renal cell carcinoma (PMID: 38127826 (2023)). This variant has not been reported in large, multi-ethnic general populations (Genome Aggregation Database). Based on the available information, this variant is classified as pathogenic.

Fulgent Genetics
Classification: Likely pathogenic for Colorectal cancer; Birt-Hogg-Dube syndrome 1; Nonpapillary renal cell carcinoma; Familial spontaneous pneumothorax. Last evaluated: 2024-05-23. Review status: criteria provided, single submitter. Criteria: ACMG Guidelines, 2015. Collection method: clinical testing. Allele origin: germline.

Ambry Genetics
Classification: Pathogenic for Hereditary cancer-predisposing syndrome. Last evaluated: 2023-10-17. Review status: criteria provided, single submitter. Criteria: Ambry Variant Classification Scheme 2023. Collection method: clinical testing. Allele origin: germline.
Comment: The c.189delC pathogenic mutation, located in coding exon 1 of the FLCN gene, results from a deletion of one nucleotide at nucleotide position 189, causing a translational frameshift with a predicted alternate stop codon (p.A64Qfs*66). This alteration is expected to result in loss of function by premature protein truncation or nonsense-mediated mRNA decay. As such, this alteration is interpreted as a disease-causing mutation.

Myriad Genetics, Inc.
Classification: Pathogenic for Birt-Hogg-Dube syndrome 1. Last evaluated: 2023-07-06. Review status: criteria provided, single submitter. Criteria: Myriad Autosomal Dominant, Autosomal Recessive and X-Linked Classification Criteria (2023). Collection method: clinical testing. Allele origin: unknown.
Comment: This variant is considered pathogenic. This variant creates a frameshift predicted to result in premature protein truncation.

ARUP Laboratories, Molecular Genetics and Genomics, ARUP Laboratories
Classification: Pathogenic. Last evaluated: 2022-12-16. Review status: criteria provided, single submitter. Criteria: ARUP Molecular Germline Variant Investigation Process 2024. Collection method: clinical testing. Allele origin: germline.
Comment: The FLCN c.189delC; p.Ala64GlnfsTer66 variant (rs876660611), to our knowledge, is not reported in the medical literature but is reported in ClinVar (Variation ID: 233744). This variant is absent from the Genome Aggregation Database, indicating it is not a common polymorphism. This variant causes a frameshift by deleting a single nucleotide, so it is predicted to result in a truncated protein or mRNA subject to nonsense-mediated decay. Additionally, several downstream truncating variants have been described in individuals with Birt-Hogg-Dube syndrome and are considered pathogenic (Schmidt 2005). Based on available information, this variant is considered to be pathogenic. References: Schmidt LS et al. Germline BHD-mutation spectrum and phenotype analysis of a large cohort of families with Birt-Hogg-Dube syndrome. Am J Hum Genet. 2005 Jun;76(6):1023-33. PMID: 15852235.

GeneDx
Classification: Pathogenic. Last evaluated: 2022-12-13. Review status: criteria provided, single submitter. Criteria: GeneDx Variant Classification Process June 2021. Collection method: clinical testing. Allele origin: germline. Affected: yes.
Comment: Frameshift variant predicted to result in protein truncation or nonsense mediated decay in a gene for which loss-of-function is a known mechanism of disease; Not observed in large population cohorts (gnomAD); Has not been previously published as pathogenic or benign to our knowledge

Mayo Clinic Laboratories, Mayo Clinic
Classification: Likely pathogenic. Last evaluated: 2022-11-07. Review status: criteria provided, single submitter. Criteria: ACMG Guidelines, 2015. Collection method: clinical testing. Allele origin: germline. Observed: 1 variant allele.
Comment: PM2, PVS1

Literature cited by the submitters: PubMed 15852235 (cited by Labcorp Genetics (formerly Invitae), Labcorp); PubMed 38127826 (cited by Quest Diagnostics Nichols Institute San Juan Capistrano).